The following is an entry in ClinVar:

ClinVar aggregate classification (germline): Uncertain significance (1 of 4 stars; one submission).

Conditions:
Charcot-Marie-Tooth disease type 2E (CMT2E). Also called: CHARCOT-MARIE-TOOTH DISEASE, AXONAL, TYPE 2E; CHARCOT-MARIE-TOOTH NEUROPATHY, TYPE 2E. Identifiers: Orphanet 99939, MedGen C1843225, MONDO:0011894, OMIM 607684.

Allele frequency attached by ClinVar (database versions not stated): gnomAD 0.00001; ExAC 0.00002; gnomAD exomes 0.00002.

Submission:

Labcorp Genetics (formerly Invitae), Labcorp
Classification: Uncertain significance for Charcot-Marie-Tooth disease type 2E. Last evaluated: 2024-12-02. Review status: criteria provided, single submitter. Criteria: Invitae Variant Classification Sherloc (09022015). Collection method: clinical testing. Allele origin: germline.
Comment: This sequence change replaces glutamic acid, which is acidic and polar, with glycine, which is neutral and non-polar, at codon 510 of the NEFL protein (p.Glu510Gly). This variant is present in population databases (rs777727985, gnomAD 0.008%). This variant has not been reported in the literature in individuals affected with NEFL-related conditions. ClinVar contains an entry for this variant (Variation ID: 1436695). Invitae Evidence Modeling of protein sequence and biophysical properties (such as structural, functional, and spatial information, amino acid conservation, physicochemical variation, residue mobility, and thermodynamic stability) has been performed for this missense variant. However, the output from this modeling did not meet the statistical confidence thresholds required to predict the impact of this variant on NEFL protein function. In summary, the available evidence is currently insufficient to determine the role of this variant in disease. Therefore, it has been classified as a Variant of Uncertain Significance.

NM_006158.5(NEFL):c.1529A>G (p.Glu510Gly)

Gene: NEFL (neurofilament light chain; minus strand). Cytogenetic location: 8p21.2.
Variant type: single nucleotide variant.
Coding change: c.1529A>G on transcript NM_006158.5 (MANE Select); coding-DNA position 1529, A replaced by G.
Protein change: p.Glu510Gly; replaces glutamic acid 510 with glycine.
Molecular consequence: missense variant.
Genome position (GRCh38, 1-based): chr8:24,952,913, T>C on the plus strand (A>G on the coding strand, the complement: NEFL is on the minus strand). VCF-style: chr8-24952913-T-C. GRCh37 (hg19) VCF-style: chr8-24810426-T-C.
Other names: short protein forms E510G.
Identifiers: ClinVar variation 1436695 (VCV001436695.6), dbSNP rs777727985, ClinGen allele CA4681242.